The following is an entry in ClinVar:

NM_007294.4(BRCA1):c.814G>A (p.Glu272Lys)

Gene: BRCA1 (BRCA1 DNA repair associated; minus strand). Cytogenetic location: 17q21.31.
Variant type: single nucleotide variant.
Coding change: c.814G>A on transcript NM_007294.4 (MANE Select); coding-DNA position 814, G replaced by A.
Protein change: p.Glu272Lys; replaces glutamic acid 272 with lysine.
Molecular consequence: missense variant. On other transcripts: 5 prime UTR variant (2), intron variant (137).
Genome position (GRCh38, 1-based): chr17:43,094,717, C>T on the plus strand (G>A on the coding strand, the complement: BRCA1 is on the minus strand). VCF-style: chr17-43094717-C-T. GRCh37 (hg19) VCF-style: chr17-41246734-C-T.
Other names: c.601G>A, p.Glu201Lys (NM_001407571.1, NM_001407853.1, NM_001407894.1 and 9 more transcripts); c.814G>A, p.Glu272Lys (NM_001407581.1, NM_001407582.1, NM_001407583.1 and 30 more transcripts); c.811G>A, p.Glu271Lys (NM_001407587.1, NM_001407590.1, NM_001407591.1 and 22 more transcripts); c.805G>A, p.Glu269Lys (NM_001407646.1, NM_001407647.1); c.691G>A, p.Glu231Lys (NM_001407648.1, NM_001407664.1, NM_001407665.1 and 19 more transcripts); c.688G>A, p.Glu230Lys (NM_001407649.1, NM_001407670.1, NM_001407671.1 and 11 more transcripts); c.736G>A, p.Glu246Lys (NM_001407653.1, NM_001407654.1, NM_001407655.1 and 4 more transcripts); c.733G>A, p.Glu245Lys (NM_001407659.1, NM_001407660.1, NM_001407661.1 and 1 more transcripts); and 40 more; short protein forms E104K, E161K, E183K, E204K, E230K, E231K, E271K, E272K.
Identifiers: ClinVar variation 2128795 (VCV002128795.7), dbSNP rs886040321, ClinGen allele CA10600456.

ClinVar aggregate classification (germline): Conflicting classifications of pathogenicity. Review status: criteria provided, conflicting classifications (1 of 4 stars). 2 submissions from 2 submitters: Uncertain significance (1); Likely benign (1). Last evaluated 2023-03-23.

Conditions:
Hereditary breast ovarian cancer syndrome. Also called: Hereditary breast and ovarian cancer syndrome; BRCA1- and BRCA2-Associated Hereditary Breast and Ovarian Cancer; Hereditary breast and ovarian cancer syndrome (HBOC); Hereditary breast and/or ovarian cancer syndrome; Hereditary breast and ovarian cancer; Breast and ovarian cancer. Identifiers: Orphanet 145, MedGen C0677776, MeSH D061325, MONDO:0003582. Disease mechanism: loss of function.
Hereditary cancer-predisposing syndrome. Also called: Hereditary neoplastic syndrome; Tumor predisposition; Hereditary Cancer Syndrome; Neoplastic Syndromes, Hereditary. Identifiers: Orphanet 140162, MedGen C0027672, MeSH D009386, MONDO:0015356.

Allele frequency attached by ClinVar (database versions not stated): gnomAD exomes below 0.00001.
gnomAD v4.1: 1 of 1,611,766 alleles (0.000062%); highest among the groups gnomAD compares: East Asian, 0.0022%; no homozygotes.

Submissions (3):

University of Washington Department of Laboratory Medicine, University of Washington
Classification: Likely benign for Hereditary cancer-predisposing syndrome. Last evaluated: 2023-03-23. Review status: criteria provided, single submitter. Criteria: Dines et al. (Genet Med. 2020). Collection method: curation. Allele origin: germline.
Comment: Missense variant in a coldspot region where missense variants are very unlikely to be pathogenic (PMID:31911673).

BRCA1 coldspot (exon 11 using historical exon numbering). Reclassification based on statistical prior probability

Labcorp Genetics (formerly Invitae), Labcorp
Classification: Uncertain significance for Hereditary breast ovarian cancer syndrome. Last evaluated: 2022-04-21. Review status: criteria provided, single submitter. Criteria: Invitae Variant Classification Sherloc (09022015). Collection method: clinical testing. Allele origin: germline.
Comment: This sequence change replaces glutamic acid, which is acidic and polar, with lysine, which is basic and polar, at codon 272 of the BRCA1 protein (p.Glu272Lys). This variant is not present in population databases (gnomAD no frequency). In summary, the available evidence is currently insufficient to determine the role of this variant in disease. Therefore, it has been classified as a Variant of Uncertain Significance. Advanced modeling of protein sequence and biophysical properties (such as structural, functional, and spatial information, amino acid conservation, physicochemical variation, residue mobility, and thermodynamic stability) performed at Invitae indicates that this missense variant is not expected to disrupt BRCA1 protein function. This variant has not been reported in the literature in individuals affected with BRCA1-related conditions.

Dr. Peter K. Rogan Lab, Western University
No classification provided (evidence only). Condition: Melanoma. Review status: no classification provided. Collection method: in vitro. Allele origin: not applicable. Functional consequence: retained intron. Not counted in ClinVar's aggregate classification.